The following is an entry in ClinVar:

NM_001161403.3(LIMS2):c.11+1305G>A

Gene: LIMS2 (LIM zinc finger domain containing 2; minus strand). Cytogenetic location: 2q14.3.
Variant type: single nucleotide variant.
Coding change: c.11+1305G>A on transcript NM_001161403.3 (MANE Select); 1305 bases into the intron after coding-DNA position 11, G replaced by A.
Molecular consequence: intron variant. On other transcripts: missense variant (1).
Genome position (GRCh38, 1-based): chr2:127,673,709, C>T on the plus strand (G>A on the coding strand, the complement: LIMS2 is on the minus strand). VCF-style: chr2-127673709-C-T. GRCh37 (hg19) VCF-style: chr2-128431283-C-T.
Other names: c.46G>A (NM_001136037.3, NM_001136037.2); c.46G>A, p.Gly16Arg (NM_001136037.4); c.-5+7611G>A (NM_001161404.2); short protein forms G16R.
Identifiers: ClinVar variation 1358409 (VCV001358409.8), dbSNP rs991541495, ClinGen allele CA55394391.

ClinVar aggregate classification (germline): Uncertain significance. Review status: criteria provided, multiple submitters, no conflicts (2 of 4 stars). 2 submissions from 2 submitters: Uncertain significance (2). Last evaluated 2025-09-02.

Conditions:
Autosomal recessive limb-girdle muscular dystrophy type 2W (MDRCMTT). Also called: Muscular dystrophy, autosomal recessive, with cardiomyopathy and triangular tongue; Muscular dystrophy, limb-girdle, type 2W. Identifiers: MedGen C4225192, MONDO:0014788, OMIM 616827.

Allele frequency attached by ClinVar (database versions not stated): gnomAD exomes 0.00003; 1000 Genomes Project 30x 0.00016.
gnomAD v4.1: 69 of 1,551,544 alleles (0.0044%); highest among the groups gnomAD compares: East Asian, 0.068%; no homozygotes.

Submissions (2):

Labcorp Genetics (formerly Invitae), Labcorp
Classification: Uncertain significance for Autosomal recessive limb-girdle muscular dystrophy type 2W. Last evaluated: 2025-09-02. Review status: criteria provided, single submitter. Criteria: Invitae Variant Classification Sherloc (09022015). Collection method: clinical testing. Allele origin: germline.
Comment: This sequence change replaces glycine, which is neutral and non-polar, with arginine, which is basic and polar, at codon 16 of the LIMS2 protein (p.Gly16Arg). This variant is present in population databases (no rsID available, gnomAD 0.03%). This variant has not been reported in the literature in individuals affected with LIMS2-related conditions. ClinVar contains an entry for this variant (Variation ID: 1358409). An algorithm developed to predict the effect of missense changes on protein structure and function (PolyPhen-2) suggests that this variant is likely to be tolerated. Algorithms developed to predict the effect of sequence changes on RNA splicing suggest that this variant may disrupt the consensus splice site. In summary, the available evidence is currently insufficient to determine the role of this variant in disease. Therefore, it has been classified as a Variant of Uncertain Significance.

Revvity Omics, Revvity
Classification: Uncertain significance for Autosomal recessive limb-girdle muscular dystrophy type 2W. Last evaluated: 2019-12-23. Review status: criteria provided, single submitter. Criteria: ACMG Guidelines, 2015. Collection method: clinical testing. Allele origin: germline.